The following is an entry in ClinVar:

ClinVar aggregate classification (germline): Uncertain significance. Review status: criteria provided, multiple submitters, no conflicts (2 of 4 stars). 2 submissions from 2 submitters: Uncertain significance (2). Last evaluated 2025-06-20.

Conditions:
DICER1-related tumor predisposition. Also called: DICER1-related pleuropulmonary blastoma cancer predisposition syndrome; DICER1 syndrome. Identifiers: Orphanet 284343, MedGen C3839822, MONDO:0100216.
Hereditary cancer-predisposing syndrome. Also called: Neoplastic Syndromes, Hereditary; Hereditary Cancer Syndrome; Tumor predisposition; Hereditary neoplastic syndrome. Identifiers: Orphanet 140162, MedGen C0027672, MeSH D009386, MONDO:0015356.

Submissions (2):

Labcorp Genetics (formerly Invitae), Labcorp
Classification: Uncertain significance for DICER1-related tumor predisposition. Last evaluated: 2025-06-20. Review status: criteria provided, single submitter. Criteria: Invitae Variant Classification Sherloc (09022015). Collection method: clinical testing. Allele origin: germline.
Comment: This sequence change replaces lysine, which is basic and polar, with glutamine, which is neutral and polar, at codon 704 of the DICER1 protein (p.Lys704Gln). This variant is not present in population databases (gnomAD no frequency). This variant has not been reported in the literature in individuals affected with DICER1-related conditions. ClinVar contains an entry for this variant (Variation ID: 1692082). Invitae Evidence Modeling of protein sequence and biophysical properties (such as structural, functional, and spatial information, amino acid conservation, physicochemical variation, residue mobility, and thermodynamic stability) indicates that this missense variant is not expected to disrupt DICER1 protein function with a negative predictive value of 95%. In summary, the available evidence is currently insufficient to determine the role of this variant in disease. Therefore, it has been classified as a Variant of Uncertain Significance.

Sema4
Classification: Uncertain significance for Hereditary cancer-predisposing syndrome. Last evaluated: 2021-08-26. Review status: criteria provided, single submitter. Criteria: Sema4 Curation Guidelines. Collection method: curation. Allele origin: germline.
Comment: The DICER1 c.2110A>C (p.K704Q) variant has not been reported in the literature to our knowledge. It was not observed in the large and broad cohorts of the Genome Aggregation Database. The variant has not been reported in ClinVar. In silico tools suggest the impact of the variant on protein function is benign, though these predictions have not been confirmed by functional studies. The evidence is insufficient to meet ACMG/AMP criteria for classifying the variant as benign or pathogenic. Thus, the clinical significance of this variant is currently uncertain.

NM_177438.3(DICER1):c.2110A>C (p.Lys704Gln)

Gene: DICER1 (dicer 1, ribonuclease III; minus strand). Cytogenetic location: 14q32.13.
Variant type: single nucleotide variant.
Coding change: c.2110A>C on transcript NM_177438.3 (MANE Select); coding-DNA position 2110, A replaced by C.
Protein change: p.Lys704Gln; replaces lysine 704 with glutamine.
Molecular consequence: missense variant. On other transcripts: non-coding transcript variant (6).
Genome position (GRCh38, 1-based): chr14:95,112,178, T>G on the plus strand (A>C on the coding strand, the complement: DICER1 is on the minus strand). VCF-style: chr14-95112178-T-G. GRCh37 (hg19) VCF-style: chr14-95578515-T-G.
Other names: c.2110A>C, p.Lys704Gln (NM_001195573.1, NM_001271282.3, NM_001291628.2 and 12 more transcripts); c.1828A>C, p.Lys610Gln (NM_001395686.1); c.1705A>C, p.Lys569Gln (NM_001395687.1, NM_001395688.1, NM_001395689.1 and 3 more transcripts); c.1543A>C, p.Lys515Gln (NM_001395691.1); c.427A>C, p.Lys143Gln (NM_001395697.1); short protein forms K143Q, K515Q, K569Q, K610Q, K704Q.
Identifiers: ClinVar variation 1692082 (VCV001692082.2), dbSNP rs2140077115, ClinGen allele CA390883000.